The following is an entry in ClinVar:

ClinVar aggregate classification (germline): Uncertain significance (1 of 4 stars; one submission).

Conditions:
Arrhythmogenic right ventricular dysplasia 9 (ARVD9). Also called: ARRHYTHMOGENIC RIGHT VENTRICULAR DYSPLASIA, FAMILIAL, 9; Arrhythmogenic Right Ventricular Dysplasia/Cardiomyopathy 9. Identifiers: MedGen C1836906, MONDO:0012180, OMIM 609040.

Submission:

Labcorp Genetics (formerly Invitae), Labcorp
Classification: Uncertain significance for Arrhythmogenic right ventricular dysplasia 9. Last evaluated: 2018-10-22. Review status: criteria provided, single submitter. Criteria: Invitae Variant Classification Sherloc (09022015). Collection method: clinical testing. Allele origin: germline.
Comment: In summary, the available evidence is currently insufficient to determine the role of this variant in disease. Therefore, it has been classified as a Variant of Uncertain Significance. Algorithms developed to predict the effect of missense changes on protein structure and function (SIFT, PolyPhen-2, Align-GVGD) all suggest that this variant is likely to be disruptive, but these predictions have not been confirmed by published functional studies and their clinical significance is uncertain. This variant has not been reported in the literature in individuals with PKP2-related disease. This variant is not present in population databases (ExAC no frequency). This sequence change replaces serine with proline at codon 751 of the PKP2 protein (p.Ser751Pro). The serine residue is highly conserved and there is a moderate physicochemical difference between serine and proline.

NM_001005242.3(PKP2):c.2119T>C (p.Ser707Pro)

Gene: PKP2 (plakophilin 2; minus strand). Cytogenetic location: 12p11.21.
Variant type: single nucleotide variant.
Coding change: c.2119T>C on transcript NM_001005242.3 (MANE Select); coding-DNA position 2119, T replaced by C.
Protein change: p.Ser707Pro; replaces serine 707 with proline.
Molecular consequence: missense variant.
Genome position (GRCh38, 1-based): chr12:32,802,451, A>G on the plus strand (T>C on the coding strand, the complement: PKP2 is on the minus strand). VCF-style: chr12-32802451-A-G. GRCh37 (hg19) VCF-style: chr12-32955385-A-G.
Other names: c.2251T>C, p.Ser751Pro (NM_004572.4); short protein forms S707P, S751P.
Identifiers: ClinVar variation 663970 (VCV000663970.8), dbSNP rs1592729555, ClinGen allele CA384359485.